The following is an entry in ClinVar:

ClinVar aggregate classification (germline): Pathogenic (1 of 4 stars; one submission).

Submission:

Labcorp Genetics (formerly Invitae), Labcorp
Classification: Pathogenic. Last evaluated: 2023-03-18. Review status: criteria provided, single submitter. Criteria: Invitae Variant Classification Sherloc (09022015). Collection method: clinical testing. Allele origin: germline.
Comment: This sequence change creates a premature translational stop signal (p.Arg38Profs*45) in the ATP6V1B1 gene. It is expected to result in an absent or disrupted protein product. Loss-of-function variants in ATP6V1B1 are known to be pathogenic (PMID: 9916796, 18368028). This variant is not present in population databases (gnomAD no frequency). This variant has not been reported in the literature in individuals affected with ATP6V1B1-related conditions. For these reasons, this variant has been classified as Pathogenic.

Literature cited by the submitters: PubMed 9916796; PubMed 18368028.

NM_001692.4(ATP6V1B1):c.112dup (p.Arg38fs)

Gene: ATP6V1B1 (ATPase H+ transporting V1 subunit B1; plus strand). Cytogenetic location: 2p13.3.
Variant type: Duplication.
Coding change: c.112dup on transcript NM_001692.4 (MANE Select); coding-DNA position 112, one base duplicated (C; older notation c.112dupC).
Protein change: p.Arg38fs; shifts the reading frame from arginine 38.
Molecular consequence: frameshift variant.
Genome position (GRCh38, 1-based): chr2:70,936,066, C duplicated; the last of 5 consecutive C bases (chr2:70,936,062-70,936,066); duplicating any one gives the same sequence. VCF-style (leftmost placement, unchanged base first): chr2-70936061-A-AC. GRCh37 (hg19) VCF-style: chr2-71163191-A-AC.
Other names: short protein forms R38fs.
Identifiers: ClinVar variation 2847265 (VCV002847265.3), dbSNP rs1679843325, ClinGen allele CA1259800569.